The following is an entry in ClinVar:

ClinVar aggregate classification (germline): Conflicting classifications of pathogenicity. Review status: criteria provided, conflicting classifications (1 of 4 stars). 6 submissions from 2 submitters: Uncertain significance (4); Benign (2). Last evaluated 2018-01-13.

Conditions:
Dilated cardiomyopathy 1G (CMD1G). Identifiers: Orphanet 154, MedGen C1858763, MONDO:0011400, OMIM 604145.
Autosomal recessive limb-girdle muscular dystrophy type 2J (LGMDR10). Also called: Limb-girdle muscular dystrophy, type 2J; MUSCULAR DYSTROPHY, LIMB-GIRDLE, AUTOSOMAL RECESSIVE 10. Identifiers: Orphanet 140922, MedGen C1837342, MONDO:0012127, OMIM 608807.
Tibial muscular dystrophy (TMD). Also called: UDD MYOPATHY; Udd Distal Myopathy – Tibial Muscular Dystrophy; Tibial muscular dystrophy, tardive. Identifiers: Orphanet 609, MedGen C1838244, MONDO:0010870, OMIM 600334.
Myopathy, myofibrillar, 9, with early respiratory failure (MFM9). Also called: Hereditary myopathy with early respiratory failure; EDSTROM MYOPATHY; MYOPATHY, PROXIMAL, WITH EARLY RESPIRATORY MUSCLE INVOLVEMENT; Myopathy, distal, with early respiratory failure, autosomal dominant. Identifiers: Orphanet 178464, Orphanet 34521, MedGen C1863599, MONDO:0011362, OMIM 603689.
Early-onset myopathy with fatal cardiomyopathy (CMYO5). Also called: Salih Myopathy; CONGENITAL MYOPATHY 5 WITH CARDIOMYOPATHY. Identifiers: Orphanet 289377, MedGen C2673677, MONDO:0012714, OMIM 611705. Disease mechanism: loss of function.

Allele frequency attached by ClinVar (database versions not stated): ExAC 0.00002; gnomAD exomes 0.00002 and 0.00004; TOPMed 0.00002; gnomAD 0.00001.
gnomAD v4.1: 28 of 1,610,246 alleles (0.0017%); highest among the groups gnomAD compares: Admixed American, 0.025%; no homozygotes.

Submissions (6):

Illumina Laboratory Services, Illumina
Classification: Benign for Tibial muscular dystrophy. Last evaluated: 2018-01-13. Review status: criteria provided, single submitter. Criteria: ICSL Variant Classification Criteria 13 December 2019. Collection method: clinical testing. Allele origin: germline.
Comment: This variant was observed in the ICSL laboratory as part of a predisposition screen in an ostensibly healthy population. It had not been previously curated by ICSL or reported in the Human Gene Mutation Database (HGMD: prior to June 1st, 2018), and was therefore a candidate for classification through an automated scoring system. Utilizing variant allele frequency, disease prevalence and penetrance estimates, and inheritance mode, an automated score was calculated to assess if this variant is too frequent to cause the disease. Based on the score and internal cut-off values, a variant classified as benign is not then subjected to further curation. The score for this variant resulted in a classification of benign for this disease.

Illumina Laboratory Services, Illumina
Classification: Uncertain significance for Dilated cardiomyopathy 1G. Last evaluated: 2018-01-13. Review status: criteria provided, single submitter. Criteria: ICSL Variant Classification Criteria 13 December 2019. Collection method: clinical testing. Allele origin: germline.

Illumina Laboratory Services, Illumina
Classification: Benign for Myopathy, myofibrillar, 9, with early respiratory failure. Last evaluated: 2018-01-13. Review status: criteria provided, single submitter. Criteria: ICSL Variant Classification Criteria 13 December 2019. Collection method: clinical testing. Allele origin: germline.
Comment: the same text as in the submission from Illumina Laboratory Services, Illumina above.

Illumina Laboratory Services, Illumina
Classification: Uncertain significance for Early-onset myopathy with fatal cardiomyopathy. Last evaluated: 2018-01-13. Review status: criteria provided, single submitter. Criteria: ICSL Variant Classification Criteria 13 December 2019. Collection method: clinical testing. Allele origin: germline.

Illumina Laboratory Services, Illumina
Classification: Uncertain significance for Autosomal recessive limb-girdle muscular dystrophy type 2J. Last evaluated: 2018-01-13. Review status: criteria provided, single submitter. Criteria: ICSL Variant Classification Criteria 13 December 2019. Collection method: clinical testing. Allele origin: germline.

Labcorp Genetics (formerly Invitae), Labcorp
Classification: Uncertain significance for Dilated cardiomyopathy 1G; Autosomal recessive limb-girdle muscular dystrophy type 2J. Last evaluated: 2016-03-29. Review status: criteria provided, single submitter. Criteria: Invitae Variant Classification Sherloc (09022015). Collection method: clinical testing. Allele origin: germline.

NM_001267550.2(TTN):c.48461C>T (p.Thr16154Met)

Genes: TTN (titin; minus strand), TTN-AS1 (TTN antisense RNA 1; plus strand). Cytogenetic location: 2q31.2.
Variant type: single nucleotide variant.
Coding change: c.48461C>T on transcript NM_001267550.2 (MANE Select); coding-DNA position 48461, C replaced by T.
Protein change: p.Thr16154Met; replaces threonine 16154 with methionine.
Molecular consequence: missense variant.
Genome position (GRCh38, 1-based): chr2:178,615,484, G>A on the plus strand (C>T on the coding strand, the complement: TTN is on the minus strand). VCF-style: chr2-178615484-G-A. GRCh37 (hg19) VCF-style: chr2-179480211-G-A.
Other names: c.43538C>T, p.Thr14513Met (NM_001256850.1); c.21266C>T, p.Thr7089Met (NM_003319.4); c.40757C>T, p.Thr13586Met (NM_133378.4); c.21641C>T, p.Thr7214Met (NM_133432.3); c.21842C>T, p.Thr7281Met (NM_133437.4); short protein forms T16154M, T7214M, T7281M, T13586M, T14513M, T7089M.
Identifiers: ClinVar variation 238788 (VCV000238788.7), dbSNP rs771120250, ClinGen allele CA1994807.